The following is an entry in ClinVar:

NM_018896.5(CACNA1G):c.2947A>C (p.Ser983Arg)

Gene: CACNA1G (calcium voltage-gated channel subunit alpha1 G; plus strand). Cytogenetic location: 17q21.33.
Variant type: single nucleotide variant.
Coding change: c.2947A>C on transcript NM_018896.5 (MANE Select); coding-DNA position 2947, A replaced by C.
Protein change: p.Ser983Arg; replaces serine 983 with arginine.
Molecular consequence: missense variant. On other transcripts: non-coding transcript variant (3), intron variant (8).
Genome position (GRCh38, 1-based): chr17:50,595,029, A>C. VCF-style: chr17-50595029-A-C. GRCh37 (hg19) VCF-style: chr17-48672390-A-C.
Other names: c.2947A>C, p.Ser983Arg (NM_001256324.2, NM_001256325.2, NM_001256326.2 and 16 more transcripts); c.2911-1533A>C (NM_198396.3, NM_198379.3, NM_198387.3 and 5 more transcripts); short protein forms S983R.
Identifiers: ClinVar variation 1706816 (VCV001706816.4), dbSNP rs2045228465, ClinGen allele CA400250670.

ClinVar aggregate classification (germline): Uncertain significance. Review status: criteria provided, multiple submitters, no conflicts (2 of 4 stars). 2 submissions from 2 submitters: Uncertain significance (2). Last evaluated 2026-02-03.

Conditions:
CACNA1G-related disorder. Also called: CACNA1G-related condition; CACNA1G-related disorders.

Allele frequency attached by ClinVar (database versions not stated): gnomAD exomes below 0.00001.
gnomAD v4.1: 1 of 1,553,908 alleles (0.000064%); highest among the groups gnomAD compares: Non-Finnish European, 0.000087%; no homozygotes.

Submissions (2):

GeneDx
Classification: Uncertain significance. Last evaluated: 2026-02-03. Review status: criteria provided, single submitter. Criteria: GeneDx Variant Classification Process June 2021. Collection method: clinical testing. Allele origin: germline. Affected: yes.
Comment: Not observed at significant frequency in large population cohorts (gnomAD); In silico analysis suggests that this missense variant does not alter protein structure/function; Has not been previously published as pathogenic or benign to our knowledge

PreventionGenetics, part of Exact Sciences
Classification: Uncertain significance for CACNA1G-related condition. Last evaluated: 2023-06-07. Review status: criteria provided, single submitter. Criteria: ACMG Guidelines, 2015. Collection method: clinical testing. Allele origin: germline.
Comment: The CACNA1G c.2947A>C variant is predicted to result in the amino acid substitution p.Ser983Arg. To our knowledge, this variant has not been reported in the literature or in a large population database, indicating this variant is rare. At this time, the clinical significance of this variant is uncertain due to the absence of conclusive functional and genetic evidence.